The following is an entry in ClinVar:

NM_002693.3(POLG):c.1690C>T (p.Gln564Ter)

Gene: POLG (DNA polymerase gamma, catalytic subunit; minus strand). Cytogenetic location: 15q26.1.
Variant type: single nucleotide variant.
Coding change: c.1690C>T on transcript NM_002693.3 (MANE Select); coding-DNA position 1690, C replaced by T.
Protein change: p.Gln564Ter; replaces glutamine 564 with a stop codon.
Molecular consequence: nonsense.
Genome position (GRCh38, 1-based): chr15:89,326,634, G>A on the plus strand (C>T on the coding strand, the complement: POLG is on the minus strand). VCF-style: chr15-89326634-G-A. GRCh37 (hg19) VCF-style: chr15-89869865-G-A.
Other names: c.1690C>T, p.Gln564Ter (NM_001126131.2); short protein forms Q564*.
Identifiers: ClinVar variation 5016089 (VCV005016089.1).

ClinVar aggregate classification (germline): Pathogenic (1 of 4 stars; one submission).

Conditions:
POLG-related disorder. Also called: POLG-Related Spectrum Disorders; POLG-related condition; POLG-Related Disorders. Identifiers: MedGen C4763519.

Submission:

Myriad Genetics, Inc.
Classification: Pathogenic for POLG-related disorder. Last evaluated: 2026-06-29. Review status: criteria provided, single submitter. Criteria: Myriad Autosomal Dominant, Autosomal Recessive and X-Linked Classification Criteria (2023). Collection method: clinical testing. Allele origin: unknown.
Comment: NM_002693.2(POLG):c.1690C>T(Q564*) is expected to be pathogenic in the context of POLG-related disorders. This variant is predicted to lead to an abnormal or absent protein product due to the creation of a premature termination codon in POLG, a gene where loss-of-function variants are known to be pathogenic. Please note: this variant was assessed in the context of healthy population screening.